The following is an entry in ClinVar:

NM_198129.4(LAMA3):c.6924del (p.Ile2309fs)

Gene: LAMA3 (laminin subunit alpha 3; plus strand). Cytogenetic location: 18q11.2.
Variant type: Deletion.
Coding change: c.6924del on transcript NM_198129.4 (MANE Select); coding-DNA position 6924, one base deleted (C; older notation c.6924delC).
Protein change: p.Ile2309fs; shifts the reading frame from isoleucine 2309.
Molecular consequence: frameshift variant.
Genome position (GRCh38, 1-based): chr18:23,907,844, C deleted; the last of 4 consecutive C bases (chr18:23,907,841-23,907,844); deleting any one gives the same sequence. VCF-style (leftmost placement, unchanged base first): chr18-23907840-AC-A. GRCh37 (hg19) VCF-style: chr18-21487804-AC-A.
Other names: c.2097del, p.Ile700fs (NM_000227.6); c.6756del, p.Ile2253fs (NM_001127717.4); c.1929del, p.Ile644fs (NM_001127718.4); short protein forms I2253fs, I2309fs, I644fs, I700fs.
Identifiers: ClinVar variation 4886515 (VCV004886515.2).

ClinVar aggregate classification (germline): Likely pathogenic (1 of 4 stars; one submission).

Submission:

Dasa
Classification: Likely pathogenic. Last evaluated: 2026-04-09. Review status: criteria provided, single submitter. Criteria: DASA Assertion Criteria. Collection method: clinical testing. Allele origin: germline.
Comment: NM_198129.4(LAMA3):c.6924del (p.Ile2309Serfs*24) is a frameshift variant in LAMA3 predicted to alter the reading frame and introduce a premature termination codon and is predicted to result in an absent or altered protein product. Loss of function is an established disease mechanism for LAMA3-associated disorders. Also, this variant is rare in population databases. Based on the currently available evidence, this variant is classified as likely pathogenic.